The following is an entry in ClinVar:

NM_001958.5(EEF1A2):c.1295C>T (p.Thr432Met)

Gene: EEF1A2 (eukaryotic translation elongation factor 1 alpha 2; minus strand). Cytogenetic location: 20q13.33.
Variant type: single nucleotide variant.
Coding change: c.1295C>T on transcript NM_001958.5 (MANE Select); coding-DNA position 1295, C replaced by T.
Protein change: p.Thr432Met; replaces threonine 432 with methionine.
Molecular consequence: missense variant.
Genome position (GRCh38, 1-based): chr20:63,488,395, G>A on the plus strand (C>T on the coding strand, the complement: EEF1A2 is on the minus strand). VCF-style: chr20-63488395-G-A. GRCh37 (hg19) VCF-style: chr20-62119748-G-A.
Other names: short protein forms T432M.
Identifiers: ClinVar variation 830077 (VCV000830077.11), dbSNP rs2082362479, ClinGen allele CA409643684.
Genomic context (GRCh38, chr20:63,488,395, plus strand): 5'-GTGACCTTGCCGGCGCCGCCGCTCTTCTTCTCCACGTTCTTGATGACGCCTACGGCCACC[G>A]TCTGCCTCATGTCGCGCACGGCGAAGCGGCCTGGGGGGCGGGGGGCGGCGTGTGGGCGGG-3'
Protein context (NP_001949.1, residues 422-442): GRFAVRDMRQ[Thr432Met]VAVGVIKNVE

ClinVar aggregate classification (germline): Pathogenic/Likely pathogenic. Review status: criteria provided, multiple submitters, no conflicts (2 of 4 stars). 7 submissions from 7 submitters: Pathogenic (2); Likely pathogenic (4). 1 of the submissions does not count toward it. Last evaluated 2025-02-10.

Conditions:
Developmental and epileptic encephalopathy, 33 (DEE33). Also called: Epileptic encephalopathy, early infantile, 33. Identifiers: Orphanet 442835, MedGen C4225337, MONDO:0014625, OMIM 616409.
Intellectual developmental disorder, autosomal dominant 38. Also called: PSYCHOMOTOR RETARDATION, EPILEPSY, AND LANGUAGE DISABILITY SYNDROME; Intellectual disability, autosomal dominant 38. Identifiers: MedGen C4225343, MONDO:0014617, OMIM 616393.
EEF1A2-related developmental and degenerative epileptic-dyskinetic encephalopathy.

Submissions (7):

Labcorp Genetics (formerly Invitae), Labcorp
Classification: Likely pathogenic for Developmental and epileptic encephalopathy, 33. Last evaluated: 2025-02-10. Review status: criteria provided, single submitter. Criteria: Invitae Variant Classification Sherloc (09022015). Collection method: clinical testing. Allele origin: germline.
Comment: This sequence change replaces threonine, which is neutral and polar, with methionine, which is neutral and non-polar, at codon 432 of the EEF1A2 protein (p.Thr432Met). This variant is not present in population databases (gnomAD no frequency). This missense change has been observed in individual(s) with EEF1A2-related conditions (PMID: 32196822, 33057194, 35982159). In at least one individual the variant was observed to be de novo. ClinVar contains an entry for this variant (Variation ID: 830077). Invitae Evidence Modeling of protein sequence and biophysical properties (such as structural, functional, and spatial information, amino acid conservation, physicochemical variation, residue mobility, and thermodynamic stability) has been performed for this missense variant. However, the output from this modeling did not meet the statistical confidence thresholds required to predict the impact of this variant on EEF1A2 protein function. In summary, the currently available evidence indicates that the variant is pathogenic, but additional data are needed to prove that conclusively. Therefore, this variant has been classified as Likely Pathogenic.

GeneDx
Classification: Pathogenic. Last evaluated: 2024-05-20. Review status: criteria provided, single submitter. Criteria: GeneDx Variant Classification Process June 2021. Collection method: clinical testing. Allele origin: germline. Affected: yes.
Comment: Not observed at significant frequency in large population cohorts (gnomAD); In silico analysis supports that this missense variant has a deleterious effect on protein structure/function; This variant is associated with the following publications: (PMID: 32160274, 33057194, 34203525, 35982159, 32196822)

Neuberg Centre For Genomic Medicine, NCGM
Classification: Likely pathogenic for Developmental and epileptic encephalopathy, 33. Last evaluated: 2023-06-22. Review status: criteria provided, single submitter. Criteria: ACMG Guidelines, 2015. Collection method: clinical testing. Allele origin: germline. Inheritance: Autosomal dominant inheritance. Affected: yes.
Comment: The observed missense c.1295C>Tp.Thr432Met variant in EEF1A2 gene has been reported previously in heterozygous state in individuals affected with developmental and degenerative epileptic-dyskinetic encephalopathy Carvill et al., 2020. This variant is absent in gnomAD Exomes. This variant has been reported to the ClinVar database as Likely Pathogenic / Pathogenic. The amino acid Thr at position 432 is changed to a Met changing protein sequence and it might alter its composition and physico-chemical properties. The amino acid change p.Thr432Met in EEF1A2 is predicted as conserved by GERP++ and PhyloP across 100 vertebrates. Multiple lines of computational evidence Polyphen - Possibly Damaging, SIFT - Damaging, and MutationTaster - Disease causing predict a damaging effect on protein structure and function for this variant. Same amino acid change as a previously established pathogenic variant regardless of nucleotide change. For these reasons, this variant has been classified as Likely Pathogenic.

Institute of Medical Genetics and Applied Genomics, University Hospital Tübingen
Classification: Likely pathogenic for Intellectual developmental disorder, autosomal dominant 38; Developmental and epileptic encephalopathy, 33. Last evaluated: 2022-12-05. Review status: criteria provided, single submitter. Criteria: ACMG Guidelines, 2015. Collection method: clinical testing. Allele origin: germline. Inheritance: Autosomal dominant inheritance. Affected: yes.

Victorian Clinical Genetics Services, Murdoch Childrens Research Institute
Classification: Pathogenic for Intellectual developmental disorder, autosomal dominant 38. Last evaluated: 2022-02-02. Review status: criteria provided, single submitter. Criteria: ACMG Guidelines, 2015. Collection method: clinical testing. Allele origin: germline. Inheritance: Autosomal dominant inheritance. Affected: yes.
Comment: Based on the classification scheme VCGS_Germline_v1.3.4, this variant is classified as Pathogenic. Following criteria are met: 0105 - The mechanism of disease for this gene is not clearly established. However, gain-of-function has been suggested (PMID: 32160274). (I) 0107 - This gene is associated with autosomal dominant disease. (I) 0200 - Variant is predicted to result in a missense amino acid change from threonine to methionine. (I) 0251 - This variant is heterozygous. (I) 0301 - Variant is absent from gnomAD (both v2 and v3). (SP) 0502 - Missense variant with conflicting in silico predictions and uninformative conservation. (I) 0603 - Missense variant in a region that is highly intolerant to missense variation (high constraint region in DECIPHER). (SP) 0705 - No comparable missense variants have previous evidence for pathogenicity. (I) 0802 - This variant has moderate previous evidence of pathogenicity in unrelated individuals. It has been reported in a patient with intellectual disability (MIM#616393) and one with EEF1A2-related neurodevelopmental disorder (MIM#616409); one of whom was a de novo event and the other maternally mosaic (DECIPHER, PMID: 32196822). (SP) 0905 - No published segregation evidence has been identified for this variant. (I) 1007 - No published functional evidence has been identified for this variant. (SP) Legend: (SP) - Supporting pathogenic, (I) - Information, (SB) - Supporting benign

Epilepsy Neurogenetics Initiative, Children's Hospital of Philadelphia
Classification: Likely pathogenic for EEF1A2-related developmental and degenerative epileptic-dyskinetic encephalopathy. Last evaluated: 2020-02-13. Review status: criteria provided, single submitter. Criteria: ACMG Guidelines, 2015. Collection method: research. Allele origin: de novo. Inheritance: Autosomal dominant inheritance. Affected: yes.
Comment: The EEF1A2 c.1295C>T; This variant is absent from population databases (ExAC, gnomAD), and is predicted to have a damaging effect on the protein by in silico models. Therefore, this variant has been classified as likely pathogenic.

Department of Genetics, Robert DEBRE University Hospital
Classification: Pathogenic. Last evaluated: 2019-02-15. Review status: no assertion criteria provided. Collection method: clinical testing. Allele origin: de novo. Affected: yes. Not counted in ClinVar's aggregate classification.

Literature cited by the submitters: PubMed 32196822 (cited by Labcorp Genetics (formerly Invitae), Labcorp and Victorian Clinical Genetics Services, Murdoch Childrens Research Institute); PubMed 33057194 (cited by Labcorp Genetics (formerly Invitae), Labcorp); PubMed 35982159 (cited by Labcorp Genetics (formerly Invitae), Labcorp); PubMed 32160274 (cited by Victorian Clinical Genetics Services, Murdoch Childrens Research Institute).